The following is an entry in ClinVar:

ClinVar aggregate classification (germline): Uncertain significance. Review status: criteria provided, multiple submitters, no conflicts (2 of 4 stars). 2 submissions from 2 submitters: Uncertain significance (2). Last evaluated 2022-08-05.

Conditions:
Immunodeficiency, common variable, 2 (CVID2). Also called: ANTIBODY DEFICIENCY DUE TO TACI DEFECT; HYPOGAMMAGLOBULINEMIA DUE TO TACI DEFICIENCY. Identifiers: Orphanet 1572, MedGen C3150354, MONDO:0009413, OMIM 240500.

Allele frequency attached by ClinVar (database versions not stated): gnomAD exomes 0.00001 and 0.00003; TOPMed 0.00014; ExAC 0.00001.
gnomAD v4.1: 14 of 1,614,242 alleles (0.00087%); highest among the groups gnomAD compares: East Asian, 0.029%; no homozygotes.

Submissions (2):

Labcorp Genetics (formerly Invitae), Labcorp
Classification: Uncertain significance for Immunodeficiency, common variable, 2. Last evaluated: 2022-08-05. Review status: criteria provided, single submitter. Criteria: Invitae Variant Classification Sherloc (09022015). Collection method: clinical testing. Allele origin: germline.
Comment: This sequence change replaces arginine, which is basic and polar, with threonine, which is neutral and polar, at codon 84 of the TNFRSF13B protein (p.Arg84Thr). This variant is present in population databases (rs747863360, gnomAD 0.04%). This missense change has been observed in individual(s) with clinical features of common variable immunodeficiency (PMID: 33425813). ClinVar contains an entry for this variant (Variation ID: 1047360). Algorithms developed to predict the effect of missense changes on protein structure and function are either unavailable or do not agree on the potential impact of this missense change (SIFT: "Tolerated"; PolyPhen-2: "Probably Damaging"; Align-GVGD: "Class C0"). In summary, the available evidence is currently insufficient to determine the role of this variant in disease. Therefore, it has been classified as a Variant of Uncertain Significance.

Breakthrough Genomics
Classification: Uncertain significance. Review status: criteria provided, single submitter. Criteria: ACMG Guidelines, 2015. Collection method: not provided. Allele origin: germline. Inheritance: Autosomal recessive inheritance. Affected: yes.

Literature cited by the submitters: PubMed 33425813 (cited by Labcorp Genetics (formerly Invitae), Labcorp).

NM_012452.3(TNFRSF13B):c.251G>C (p.Arg84Thr)

Gene: TNFRSF13B (TNF receptor superfamily member 13B; minus strand). Cytogenetic location: 17p11.2.
Variant type: single nucleotide variant.
Coding change: c.251G>C on transcript NM_012452.3 (MANE Select); coding-DNA position 251, G replaced by C.
Protein change: p.Arg84Thr; replaces arginine 84 with threonine.
Molecular consequence: missense variant.
Genome position (GRCh38, 1-based): chr17:16,948,932, C>G on the plus strand (G>C on the coding strand, the complement: TNFRSF13B is on the minus strand). VCF-style: chr17-16948932-C-G. GRCh37 (hg19) VCF-style: chr17-16852246-C-G.
Other names: short protein forms R84T.
Identifiers: ClinVar variation 1047360 (VCV001047360.3), dbSNP rs747863360, ClinGen allele CA8414059.